The following is an entry in ClinVar:

NM_003060.4(SLC22A5):c.1055T>C (p.Met352Thr)

Gene: SLC22A5 (solute carrier family 22 member 5; plus strand). Cytogenetic location: 5q31.1.
Variant type: single nucleotide variant.
Coding change: c.1055T>C on transcript NM_003060.4 (MANE Select); coding-DNA position 1055, T replaced by C.
Protein change: p.Met352Thr; replaces methionine 352 with threonine.
Molecular consequence: missense variant.
Genome position (GRCh38, 1-based): chr5:132,390,692, T>C. VCF-style: chr5-132390692-T-C. GRCh37 (hg19) VCF-style: chr5-131726384-T-C.
Other names: c.1127T>C, p.Met376Thr (NM_001308122.2); short protein forms M352T, M376T.
Identifiers: ClinVar variation 2196562 (VCV002196562.1), dbSNP rs1275349783, ClinGen allele CA360807361.

ClinVar aggregate classification (germline): Uncertain significance (1 of 4 stars; one submission).

Conditions:
Renal carnitine transport defect (CDSP). Also called: Carnitine transporter deficiency; Primary carnitine deficiency; Carnitine Deficiency, Systemic; Systemic primary carnitine deficiency; CARNITINE DEFICIENCY, SYSTEMIC, DUE TO DEFECT IN RENAL REABSORPTION OF CARNITINE; CARNITINE TRANSPORTER, PLASMA-MEMBRANE, DEFICIENCY OF. Identifiers: Orphanet 158, MedGen C0342788, MONDO:0008919, OMIM 212140.

Allele frequency attached by ClinVar (database versions not stated): gnomAD exomes below 0.00001.
gnomAD v4.1: 2 of 1,611,726 alleles (0.00012%); highest among the groups gnomAD compares: African/African-American, 0.0027%; no homozygotes.

Submission:

Labcorp Genetics (formerly Invitae), Labcorp
Classification: Uncertain significance for Renal carnitine transport defect. Last evaluated: 2022-07-19. Review status: criteria provided, single submitter. Criteria: Invitae Variant Classification Sherloc (09022015). Collection method: clinical testing. Allele origin: germline.
Comment: This sequence change replaces methionine, which is neutral and non-polar, with threonine, which is neutral and polar, at codon 352 of the SLC22A5 protein (p.Met352Thr). This variant is not present in population databases (gnomAD no frequency). This variant has not been reported in the literature in individuals affected with SLC22A5-related conditions. Algorithms developed to predict the effect of missense changes on protein structure and function are either unavailable or do not agree on the potential impact of this missense change (SIFT: "Deleterious"; PolyPhen-2: "Benign"; Align-GVGD: "Class C25"). In summary, the available evidence is currently insufficient to determine the role of this variant in disease. Therefore, it has been classified as a Variant of Uncertain Significance.